The following is an entry in ClinVar:

NM_138576.4(BCL11B):c.308G>A (p.Arg103His)

Gene: BCL11B (BCL11 transcription factor B; minus strand). Cytogenetic location: 14q32.2.
Variant type: single nucleotide variant.
Coding change: c.308G>A on transcript NM_138576.4 (MANE Select); coding-DNA position 308, G replaced by A.
Protein change: p.Arg103His; replaces arginine 103 with histidine.
Molecular consequence: missense variant.
Genome position (GRCh38, 1-based): chr14:99,257,590, C>T on the plus strand (G>A on the coding strand, the complement: BCL11B is on the minus strand). VCF-style: chr14-99257590-C-T. GRCh37 (hg19) VCF-style: chr14-99723927-C-T.
Other names: c.305G>A, p.Arg102His (NM_001282237.2, NM_001282238.2); c.308G>A, p.Arg103His (NM_022898.3); short protein forms R103H, R102H.
Identifiers: ClinVar variation 1429841 (VCV001429841.8), dbSNP rs1359029879, ClinGen allele CA390939002.
Genomic context (GRCh38, chr14:99,257,590, plus strand): 5'-TCGTCGGGGGTGACTTGGATCCCGATCTCCACCGGCTCGGACACTTTCCTGAGCTCGGAG[C>T]GTGAGGAGGGTGGCGGGCTGTCCTTGTCCAGGGCCTTGTCATAGCAGGCACCCAAGCTGC-3'
Protein context (NP_612808.1, residues 93-113): LDKDSPPPSS[Arg103His]SELRKVSEPV

ClinVar aggregate classification (germline): Uncertain significance (1 of 4 stars; one submission).

Allele frequency attached by ClinVar (database versions not stated): gnomAD exomes 0.00001.
gnomAD v4.1: 12 of 1,614,064 alleles (0.00074%); highest among the groups gnomAD compares: East Asian, 0.0067%; no homozygotes.

Submission:

Labcorp Genetics (formerly Invitae), Labcorp
Classification: Uncertain significance. Last evaluated: 2020-11-19. Review status: criteria provided, single submitter. Criteria: Invitae Variant Classification Sherloc (09022015). Collection method: clinical testing. Allele origin: germline.
Comment: In summary, the available evidence is currently insufficient to determine the role of this variant in disease. Therefore, it has been classified as a Variant of Uncertain Significance. Algorithms developed to predict the effect of missense changes on protein structure and function (SIFT, PolyPhen-2, Align-GVGD) all suggest that this variant is likely to be tolerated, but these predictions have not been confirmed by published functional studies and their clinical significance is uncertain. This variant has not been reported in the literature in individuals with BCL11B-related conditions. This variant is not present in population databases (ExAC no frequency). This sequence change replaces arginine with histidine at codon 103 of the BCL11B protein (p.Arg103His). The arginine residue is moderately conserved and there is a small physicochemical difference between arginine and histidine.